The following is an entry in ClinVar:

NM_152564.5(VPS13B):c.11983G>A (p.Gly3995Arg)

Gene: VPS13B (vacuolar protein sorting 13 homolog B; plus strand). Cytogenetic location: 8q22.2.
Variant type: single nucleotide variant.
Coding change: c.11983G>A on transcript NM_152564.5 (MANE Select); coding-DNA position 11983, G replaced by A.
Protein change: p.Gly3995Arg; replaces glycine 3995 with arginine.
Molecular consequence: missense variant.
Genome position (GRCh38, 1-based): chr8:99,875,655, G>A. VCF-style: chr8-99875655-G-A. GRCh37 (hg19) VCF-style: chr8-100887883-G-A.
Other names: c.12058G>A, p.Gly4020Arg (NM_017890.5); short protein forms G4020R, G3995R.
Identifiers: ClinVar variation 2067515 (VCV002067515.4), dbSNP rs369435007, ClinGen allele CA182335525.

ClinVar aggregate classification (germline): Uncertain significance (1 of 4 stars; one submission).

Conditions:
Cohen syndrome (COH1). Also called: Cutis verticis gyrata, retinitis pigmentosa, and sensorineural deafness; PEPPER SYNDROME. Identifiers: Orphanet 193, MedGen C0265223, MONDO:0008999, OMIM 216550.

Allele frequency attached by ClinVar (database versions not stated): TOPMed below 0.00001; ESP Exome Variant Server 0.00008.

Submission:

Labcorp Genetics (formerly Invitae), Labcorp
Classification: Uncertain significance for Cohen syndrome. Last evaluated: 2022-09-19. Review status: criteria provided, single submitter. Criteria: Invitae Variant Classification Sherloc (09022015). Collection method: clinical testing. Allele origin: germline.
Comment: In summary, the available evidence is currently insufficient to determine the role of this variant in disease. Therefore, it has been classified as a Variant of Uncertain Significance. Advanced modeling of protein sequence and biophysical properties (such as structural, functional, and spatial information, amino acid conservation, physicochemical variation, residue mobility, and thermodynamic stability) performed at Invitae indicates that this missense variant is expected to disrupt VPS13B protein function. This variant has not been reported in the literature in individuals affected with VPS13B-related conditions. This variant is not present in population databases (gnomAD no frequency). This sequence change replaces glycine, which is neutral and non-polar, with arginine, which is basic and polar, at codon 4020 of the VPS13B protein (p.Gly4020Arg).